The following is an entry in ClinVar:

ClinVar aggregate classification (germline): Uncertain significance. Review status: criteria provided, multiple submitters, no conflicts (2 of 4 stars). 2 submissions from 2 submitters: Uncertain significance (2). Last evaluated 2025-05-21.

gnomAD v4.1: 1 of 1,611,952 alleles (0.000062%); highest among the groups gnomAD compares: Non-Finnish European, 0.000085%; no homozygotes.

Submissions (2):

Labcorp Genetics (formerly Invitae), Labcorp
Classification: Uncertain significance. Last evaluated: 2025-05-21. Review status: criteria provided, single submitter. Criteria: Invitae Variant Classification Sherloc (09022015). Collection method: clinical testing. Allele origin: germline.
Comment: This sequence change falls in intron 7 of the SLC4A1 gene. It does not directly change the encoded amino acid sequence of the SLC4A1 protein. It affects a nucleotide within the consensus splice site. This variant is not present in population databases (gnomAD no frequency). This variant has not been reported in the literature in individuals affected with SLC4A1-related conditions. ClinVar contains an entry for this variant (Variation ID: 3766714). Variants that disrupt the consensus splice site are a relatively common cause of aberrant splicing (PMID: 17576681, 9536098). Algorithms developed to predict the effect of sequence changes on RNA splicing suggest that this variant is not likely to affect RNA splicing. In summary, the available evidence is currently insufficient to determine the role of this variant in disease. Therefore, it has been classified as a Variant of Uncertain Significance.

ARUP Laboratories, Molecular Genetics and Genomics, ARUP Laboratories
Classification: Uncertain significance. Last evaluated: 2025-02-25. Review status: criteria provided, single submitter. Criteria: ARUP Molecular Germline Variant Investigation Process 2024. Collection method: clinical testing. Allele origin: germline.
Comment: The SLC4A1 c.610-3C>T variant, to our knowledge, is not reported in the medical literature or gene specific databases. This variant is also absent from the Genome Aggregation Database (v2.1.1), indicating it is not a common polymorphism. This is an intronic variant and computational analyses (Alamut Visual Plus v.1.12) predict that this variant does not alter splicing. However, since this variant is located within the minimal splice region, the clinical significance of this variant is uncertain at this time. Due to limited information, the clinical significance of this variant is uncertain at this time.

Literature cited by the submitters: PubMed 17576681 (cited by Labcorp Genetics (formerly Invitae), Labcorp); PubMed 9536098 (cited by Labcorp Genetics (formerly Invitae), Labcorp).

NM_000342.4(SLC4A1):c.610-3C>T

Gene: SLC4A1 (solute carrier family 4 member 1 (Diego blood group); minus strand). Cytogenetic location: 17q21.31.
Variant type: single nucleotide variant.
Coding change: c.610-3C>T on transcript NM_000342.4 (MANE Select); 3 bases into the intron before coding-DNA position 610, C replaced by T.
Molecular consequence: intron variant.
Genome position (GRCh38, 1-based): chr17:44,259,584, G>A on the plus strand (C>T on the coding strand, the complement: SLC4A1 is on the minus strand). VCF-style: chr17-44259584-G-A. GRCh37 (hg19) VCF-style: chr17-42336952-G-A.
Identifiers: ClinVar variation 3766714 (VCV003766714.3).
Genomic context (GRCh38, chr17:44,259,584, plus strand): 5'-CCGGGGGAATCTTTTCCAGAATTCCAGATGGTGAGTGCCCTTCTGTGCCCCCATCTCCCT[G>A]TGGGAAGGAGGGTGGTGACGGGAGTCCTCGGGCCAGTCTGACCTGGGAGACCTGAGCATC-3'